The following is an entry in ClinVar:

ClinVar aggregate classification (germline): Likely pathogenic (1 of 4 stars; one submission).

Conditions:
Dilated cardiomyopathy 1G (CMD1G). Identifiers: Orphanet 154, MedGen C1858763, MONDO:0011400, OMIM 604145.
Autosomal recessive limb-girdle muscular dystrophy type 2J (LGMDR10). Also called: Limb-girdle muscular dystrophy, type 2J; MUSCULAR DYSTROPHY, LIMB-GIRDLE, AUTOSOMAL RECESSIVE 10. Identifiers: Orphanet 140922, MedGen C1837342, MONDO:0012127, OMIM 608807.

Submission:

Labcorp Genetics (formerly Invitae), Labcorp
Classification: Likely pathogenic for Dilated cardiomyopathy 1G; Autosomal recessive limb-girdle muscular dystrophy type 2J. Last evaluated: 2023-08-02. Review status: criteria provided, single submitter. Criteria: Invitae Variant Classification Sherloc (09022015). Collection method: clinical testing. Allele origin: germline.
Comment: This sequence change creates a premature translational stop signal (p.Lys17305*) in the TTN gene. While this is not anticipated to result in nonsense mediated decay, it is expected to disrupt the last 18687 amino acid(s) of the TTN protein. This variant is not present in population databases (gnomAD no frequency). This variant has not been reported in the literature in individuals affected with TTN-related conditions. This variant is located in the A band of TTN (PMID: 25589632). Truncating variants in this region are significantly overrepresented in patients affected with dilated cardiomyopathy (PMID: 25589632). Truncating variants in this region have also been reported in individuals affected with autosomal recessive centronuclear myopathy (PMID: 23975875). In summary, the currently available evidence indicates that the variant is pathogenic, but additional data are needed to prove that conclusively. Therefore, this variant has been classified as Likely Pathogenic.

Literature cited by the submitters: PubMed 25589632; PubMed 23975875.

NM_001267550.2(TTN):c.51913A>T (p.Lys17305Ter)

Genes: TTN-AS1 (TTN antisense RNA 1; plus strand), TTN (titin; minus strand). Cytogenetic location: 2q31.2.
Variant type: single nucleotide variant.
Coding change: c.51913A>T on transcript NM_001267550.2 (MANE Select); coding-DNA position 51913, A replaced by T.
Protein change: p.Lys17305Ter; replaces lysine 17305 with a stop codon.
Molecular consequence: nonsense.
Genome position (GRCh38, 1-based): chr2:178,609,397, T>A on the plus strand (A>T on the coding strand, the complement: TTN is on the minus strand). VCF-style: chr2-178609397-T-A. GRCh37 (hg19) VCF-style: chr2-179474124-T-A.
Other names: c.46990A>T, p.Lys15664Ter (NM_001256850.1); c.24718A>T, p.Lys8240Ter (NM_003319.4); c.44209A>T, p.Lys14737Ter (NM_133378.4); c.25093A>T, p.Lys8365Ter (NM_133432.3); c.25294A>T, p.Lys8432Ter (NM_133437.4); short protein forms K15664*, K8432*, K8365*, K17305*, K14737*, K8240*.
Identifiers: ClinVar variation 2933782 (VCV002933782.3), dbSNP rs2470387049, ClinGen allele CA349579311.